The following is an entry in ClinVar:

NM_000130.5(F5):c.1370A>T (p.Asp457Val)

Gene: F5 (coagulation factor V; minus strand). Cytogenetic location: 1q24.2.
Variant type: single nucleotide variant.
Coding change: c.1370A>T on transcript NM_000130.5 (MANE Select); coding-DNA position 1370, A replaced by T.
Protein change: p.Asp457Val; replaces aspartic acid 457 with valine.
Molecular consequence: missense variant.
Genome position (GRCh38, 1-based): chr1:169,550,666, T>A on the plus strand (A>T on the coding strand, the complement: F5 is on the minus strand). VCF-style: chr1-169550666-T-A. GRCh37 (hg19) VCF-style: chr1-169519904-T-A.
Other names: short protein forms D457V.
Identifiers: ClinVar variation 3706554 (VCV003706554.2).
Genomic context (GRCh38, chr1:169,550,666, plus strand): 5'-CTAGTTGGATTCAGTAGAAGTGAAAGATTCAAACCTGAGGTGAAAGAAGAGTTGACTTCA[T>A]CTTCATAAGGCGAGAAGGTCACTCCATGAGGGTAAATGCTATAGGGGCGGCTGGCCATAT-3'
Protein context (NP_000121.2, residues 447-467): PHGVTFSPYE[Asp457Val]EVNSSFTSGR

ClinVar aggregate classification (germline): Uncertain significance (1 of 4 stars; one submission).

Conditions:
Congenital factor V deficiency. Also called: Hereditary factor V deficiency disease; LABILE FACTOR DEFICIENCY; OWREN PARAHEMOPHILIA; PARAHEMOPHILIA. Identifiers: Orphanet 326, MedGen C0015499, MONDO:0009210, OMIM 227400.

gnomAD v4.1: 10 of 1,614,014 alleles (0.00062%); highest among the groups gnomAD compares: Non-Finnish European, 0.00076%; no homozygotes.

Submission:

Labcorp Genetics (formerly Invitae), Labcorp
Classification: Uncertain significance for Congenital factor V deficiency. Last evaluated: 2024-03-16. Review status: criteria provided, single submitter. Criteria: Invitae Variant Classification Sherloc (09022015). Collection method: clinical testing. Allele origin: germline.
Comment: This sequence change replaces aspartic acid, which is acidic and polar, with valine, which is neutral and non-polar, at codon 457 of the F5 protein (p.Asp457Val). This variant is present in population databases (rs746918366, gnomAD 0.004%). This variant has not been reported in the literature in individuals affected with F5-related conditions. Advanced modeling of protein sequence and biophysical properties (such as structural, functional, and spatial information, amino acid conservation, physicochemical variation, residue mobility, and thermodynamic stability) performed at Invitae indicates that this missense variant is not expected to disrupt F5 protein function with a negative predictive value of 80%. Algorithms developed to predict the effect of sequence changes on RNA splicing suggest that this variant may disrupt the consensus splice site. In summary, the available evidence is currently insufficient to determine the role of this variant in disease. Therefore, it has been classified as a Variant of Uncertain Significance.